The following is an entry in ClinVar:

ClinVar aggregate classification (germline): Uncertain significance. Review status: criteria provided, multiple submitters, no conflicts (2 of 4 stars). 6 submissions from 6 submitters: Uncertain significance (6). Last evaluated 2025-04-28.

Conditions:
Hereditary cancer-predisposing syndrome. Also called: Tumor predisposition; Hereditary neoplastic syndrome; Neoplastic Syndromes, Hereditary; Hereditary Cancer Syndrome. Identifiers: Orphanet 140162, MedGen C0027672, MeSH D009386, MONDO:0015356.
Hereditary breast ovarian cancer syndrome. Also called: Breast and ovarian cancer; BRCA1- and BRCA2-Associated Hereditary Breast and Ovarian Cancer; Hereditary breast and ovarian cancer; Hereditary breast and/or ovarian cancer syndrome; Hereditary breast and ovarian cancer syndrome; Hereditary breast and ovarian cancer syndrome (HBOC). Identifiers: Orphanet 145, MedGen C0677776, MeSH D061325, MONDO:0003582. Disease mechanism: loss of function.
Breast-ovarian cancer, familial, susceptibility to, 2 (BROVCA2). Also called: BRCA2 Hereditary Breast and Ovarian Cancer. Identifiers: Orphanet 145, MedGen C2675520, MONDO:0012933, OMIM 612555. Disease mechanism: loss of function.

Allele frequency attached by ClinVar (database versions not stated): gnomAD exomes below 0.00001; ExAC 0.00001.
gnomAD v4.1: 2 of 1,509,816 alleles (0.00013%); highest among the groups gnomAD compares: South Asian, 0.0011%; no homozygotes.

Submissions (6):

Labcorp Genetics (formerly Invitae), Labcorp
Classification: Uncertain significance for Hereditary breast ovarian cancer syndrome. Last evaluated: 2025-04-28. Review status: criteria provided, single submitter. Criteria: Invitae Variant Classification Sherloc (09022015). Collection method: clinical testing. Allele origin: germline.
Comment: This sequence change replaces glycine, which is neutral and non-polar, with glutamic acid, which is acidic and polar, at codon 2281 of the BRCA2 protein (p.Gly2281Glu). RNA analysis indicates that this missense change induces altered splicing and likely results in the loss of 1 amino acid residue(s), but is expected to preserve the integrity of the reading-frame. This variant is present in population databases (rs80358908, gnomAD 0.003%). This variant has not been reported in the literature in individuals affected with BRCA2-related conditions. ClinVar contains an entry for this variant (Variation ID: 926077). An algorithm developed to predict the effect of missense changes on protein structure and function (PolyPhen-2) suggests that this variant is likely to be disruptive. Studies have shown that this missense change results in the activation of a cryptic splice site in exon 12 (PMID: 32046981). In summary, the available evidence is currently insufficient to determine the role of this variant in disease. Therefore, it has been classified as a Variant of Uncertain Significance.

Ambry Genetics
Classification: Uncertain significance for Hereditary cancer-predisposing syndrome. Last evaluated: 2024-07-15. Review status: criteria provided, single submitter. Criteria: Ambry Variant Classification Scheme 2023. Collection method: clinical testing. Allele origin: germline.
Comment: The c.6842G>A variant (also known as p.G2281E) is located in coding exon 11 of the BRCA2 gene. The glycine at codon 2281 is replaced by glutamic acid, an amino acid with similar properties. This change occurs in the first base pair of coding exon 11, which makes it likely to have some effect on normal mRNA splicing. This nucleotide position is highly conserved in available vertebrate species. In silico splice site analysis predicts that this alteration may weaken the native splice acceptor site. This alteration leads to increased but incomplete skipping of coding exon 11 (also known as exon 12 in the literature; Hujov&aacute; P et al. Mol Biol Rep, 2019 Jun;46:2877-2884; Meulemans L et al. Cancer Res, 2020 04;80:1374-1386; Ambry internal data). Complete loss of coding exon 11 retains nearly 50% homology-directed DNA repair activity (Meulemans L et al. Cancer Res, 2020 04;80:1374-1386). However, the clinical impact of loss of exon 11 and to what extent exon 11 is lost is uncertain as a different variant that results in incomplete skipping of coding exon 11 was identified in a compound heterozygous state in a patient without apparent Fanconi Anemia (Li L et al. Hum Mutat, 2009 Nov;30:1543-50). This suggests that exon 11 skipping may be dispensable for clinically relevant function at an unknown threshold of loss (Li L et al. Hum Mutat, 2009 Nov;30:1543-50; Meulemans L et al. Cancer Res, 2020 04;80:1374-1386). This amino acid position is highly conserved in available vertebrate species. In addition, as a missense substitution this is predicted to be inconclusive by in silico analysis. Based on the available evidence, the clinical significance of this variant remains unclear.

KCCC/NGS Laboratory, Kuwait Cancer Control Center
Classification: Uncertain significance for Breast-ovarian cancer, familial, susceptibility to, 2. Last evaluated: 2023-11-13. Review status: criteria provided, single submitter. Criteria: ACMG Guidelines, 2015. Collection method: clinical testing. Allele origin: germline. Inheritance: Autosomal dominant inheritance. Affected: yes. Observed: 1 heterozygote.
Comment: This sequence change replaces glycine, which is neutral and non-polar, with glutamic acid, which is acidic and polar, at codon 2281 of the BRCA2 protein (p.Gly2281Glu). Not observed at significant frequency in large population cohorts (gnomAD). In silico analysis supports that this missense variant does not alter protein structure/function. Observed in an individual with breast cancer (Deuitch et al., 2020). This variant is associated with the following publications: (PMID: 32884827).ClinVar contains an entry for this variant (Variation ID: 926077). This nucleotide position is highly conserved . Studies have shown that this missense change results in the activation of a cryptic splice site (PMID: 32046981). In summary, the available evidence is currently insufficient to determine the role of this variant in disease. Therefore, it has been classified as a Variant of Uncertain Significance.

GeneDx
Classification: Uncertain significance. Last evaluated: 2022-09-22. Review status: criteria provided, single submitter. Criteria: GeneDx Variant Classification Process June 2021. Collection method: clinical testing. Allele origin: germline. Affected: yes.
Comment: Observed in an individual with breast cancer (Deuitch et al., 2020); In silico analysis supports that this missense variant does not alter protein structure/function; Also known as 7070G>A; Not observed at significant frequency in large population cohorts (gnomAD); In-silico analysis is inconclusive as to whether the variant alters gene splicing. In the absence of RNA/functional studies, the actual effect of this sequence change is unknown.; This variant is associated with the following publications: (PMID: 32884827)

Clinical Genetics Laboratory, Skane University Hospital Lund
Classification: Uncertain significance. Last evaluated: 2022-05-27. Review status: criteria provided, single submitter. Criteria: ACMG Guidelines, 2015. Collection method: clinical testing. Allele origin: germline. Affected: yes.

Color Diagnostics, LLC DBA Color Health
Classification: Uncertain significance for Hereditary cancer-predisposing syndrome. Last evaluated: 2019-05-30. Review status: criteria provided, single submitter. Criteria: ACMG Guidelines, 2015. Collection method: clinical testing. Allele origin: germline.

Literature cited by the submitters: PubMed 32046981 (cited by Labcorp Genetics (formerly Invitae), Labcorp and Ambry Genetics); PubMed 19795481 (cited by Ambry Genetics); PubMed 30840204 (cited by Ambry Genetics).

NM_000059.4(BRCA2):c.6842G>A (p.Gly2281Glu)

Gene: BRCA2 (BRCA2 DNA repair associated; plus strand). Cytogenetic location: 13q13.1.
Variant type: single nucleotide variant.
Coding change: c.6842G>A on transcript NM_000059.4 (MANE Select); coding-DNA position 6842, G replaced by A.
Protein change: p.Gly2281Glu; replaces glycine 2281 with glutamic acid.
Molecular consequence: missense variant.
Genome position (GRCh38, 1-based): chr13:32,344,558, G>A. VCF-style: chr13-32344558-G-A. GRCh37 (hg19) VCF-style: chr13-32918695-G-A.
Other names: short protein forms G2281E.
Identifiers: ClinVar variation 926077 (VCV000926077.18), dbSNP rs80358908, ClinGen allele CA6941008.